The following is an entry in ClinVar:

NM_177972.3(TUB):c.52G>A (p.Glu18Lys)

Gene: TUB (TUB bipartite transcription factor; plus strand). Cytogenetic location: 11p15.4.
Variant type: single nucleotide variant.
Coding change: c.52G>A on transcript NM_177972.3 (MANE Select); coding-DNA position 52, G replaced by A.
Protein change: p.Glu18Lys; replaces glutamic acid 18 with lysine.
Molecular consequence: missense variant.
Genome position (GRCh38, 1-based): chr11:8,089,623, G>A. VCF-style: chr11-8089623-G-A. GRCh37 (hg19) VCF-style: chr11-8111170-G-A.
Other names: c.217G>A, p.Glu73Lys (NM_003320.5); short protein forms E18K, E73K.
Identifiers: ClinVar variation 936541 (VCV000936541.7), dbSNP rs557066008, ClinGen allele CA379562287.

ClinVar aggregate classification (germline): Uncertain significance (1 of 4 stars; one submission).

Submission:

Labcorp Genetics (formerly Invitae), Labcorp
Classification: Uncertain significance. Last evaluated: 2019-09-07. Review status: criteria provided, single submitter. Criteria: Invitae Variant Classification Sherloc (09022015). Collection method: clinical testing. Allele origin: germline.
Comment: In summary, the available evidence is currently insufficient to determine the role of this variant in disease. Therefore, it has been classified as a Variant of Uncertain Significance. Algorithms developed to predict the effect of missense changes on protein structure and function are either unavailable or do not agree on the potential impact of this missense change (SIFT: "Tolerated"; PolyPhen-2: "Probably Damaging"; Align-GVGD: "Class C0"). This variant has not been reported in the literature in individuals with TUB-related conditions. This variant is not present in population databases (ExAC no frequency). This sequence change replaces glutamic acid with lysine at codon 73 of the TUB protein (p.Glu73Lys). The glutamic acid residue is moderately conserved and there is a small physicochemical difference between glutamic acid and lysine.